The following is an entry in ClinVar:

ClinVar aggregate classification (germline): Uncertain significance (1 of 4 stars; one submission).

Conditions:
Cystic fibrosis (CF). Also called: MUCOVISCIDOSIS. Identifiers: Orphanet 586, MedGen C0010674, MONDO:0009061, OMIM 219700. Disease mechanism: loss of function.

Submission:

Ambry Genetics
Classification: Uncertain significance for Cystic fibrosis. Last evaluated: 2026-08-15. Review status: criteria provided, single submitter. Criteria: Ambry Variant Classification Scheme 2023. Collection method: clinical testing. Allele origin: germline.
Comment: The p.S1456G variant (also known as c.4366A>G), located in coding exon 27 of the CFTR gene, results from an A to G substitution at nucleotide position 4366. The serine at codon 1456 is replaced by glycine, an amino acid with similar properties. This amino acid position is conserved. In addition, the in silico prediction for this alteration is inconclusive. Based on the available evidence, the clinical significance of this variant remains unclear.

NM_000492.4(CFTR):c.4366A>G (p.Ser1456Gly)

Genes: CFTR (CF transmembrane conductance regulator; plus strand), LOC111674477 (CFTR intron 23 enhancer; plus strand). Cytogenetic location: 7q31.2.
Variant type: single nucleotide variant.
Coding change: c.4366A>G on transcript NM_000492.4 (MANE Select); coding-DNA position 4366, A replaced by G.
Protein change: p.Ser1456Gly; replaces serine 1456 with glycine.
Molecular consequence: missense variant.
Genome position (GRCh38, 1-based): chr7:117,667,031, A>G. VCF-style: chr7-117667031-A-G. GRCh37 (hg19) VCF-style: chr7-117307085-A-G.
Other names: short protein forms S1456G.
Identifiers: ClinVar variation 5034469 (VCV005034469.1).